The following is an entry in ClinVar:

NM_001206927.2(DNAH8):c.1182A>T (p.Glu394Asp)

Gene: DNAH8 (dynein axonemal heavy chain 8; plus strand). Cytogenetic location: 6p21.2.
Variant type: single nucleotide variant.
Coding change: c.1182A>T on transcript NM_001206927.2 (MANE Select); coding-DNA position 1182, A replaced by T.
Protein change: p.Glu394Asp; replaces glutamic acid 394 with aspartic acid.
Molecular consequence: missense variant.
Genome position (GRCh38, 1-based): chr6:38,741,776, A>T. VCF-style: chr6-38741776-A-T. GRCh37 (hg19) VCF-style: chr6-38709552-A-T.
Other names: c.531A>T, p.Glu177Asp (NM_001371.4); short protein forms E177D, E394D.
Identifiers: ClinVar variation 2694107 (VCV002694107.3), dbSNP rs201355783, ClinGen allele CA363987589.

ClinVar aggregate classification (germline): Uncertain significance (1 of 4 stars; one submission).

Conditions:
Primary ciliary dyskinesia. Also called: Ciliary dyskinesia. Identifiers: Orphanet 244, MedGen C0008780, MONDO:0016575, HP:0012265.

Submission:

Labcorp Genetics (formerly Invitae), Labcorp
Classification: Uncertain significance for Primary ciliary dyskinesia. Last evaluated: 2023-11-10. Review status: criteria provided, single submitter. Criteria: Invitae Variant Classification Sherloc (09022015). Collection method: clinical testing. Allele origin: germline.
Comment: This sequence change replaces glutamic acid, which is acidic and polar, with aspartic acid, which is acidic and polar, at codon 394 of the DNAH8 protein (p.Glu394Asp). This variant is not present in population databases (gnomAD no frequency). This variant has not been reported in the literature in individuals affected with DNAH8-related conditions. Experimental studies and prediction algorithms are not available or were not evaluated, and the functional significance of this variant is currently unknown. In summary, the available evidence is currently insufficient to determine the role of this variant in disease. Therefore, it has been classified as a Variant of Uncertain Significance.